The following is an entry in ClinVar:

ClinVar aggregate classification (germline): Pathogenic (1 of 4 stars; one submission).

Conditions:
COG5-congenital disorder of glycosylation. Also called: CONGENITAL DISORDER OF GLYCOSYLATION, TYPE IIi; COG5-CDG; CDG IIi. Identifiers: Orphanet 263487, MedGen C3150876, MONDO:0013325, OMIM 613612.

gnomAD v4.1: 1 of 1,610,288 alleles (0.000062%); highest among the groups gnomAD compares: Non-Finnish European, 0.000085%; no homozygotes.

Submission:

Labcorp Genetics (formerly Invitae), Labcorp
Classification: Pathogenic for COG5-congenital disorder of glycosylation. Last evaluated: 2024-03-27. Review status: criteria provided, single submitter. Criteria: Invitae Variant Classification Sherloc (09022015). Collection method: clinical testing. Allele origin: germline.
Comment: This sequence change creates a premature translational stop signal (p.Gln565*) in the COG5 gene. It is expected to result in an absent or disrupted protein product. Loss-of-function variants in COG5 are known to be pathogenic (PMID: 23228021). This variant is not present in population databases (gnomAD no frequency). This variant has not been reported in the literature in individuals affected with COG5-related conditions. For these reasons, this variant has been classified as Pathogenic.

Literature cited by the submitters: PubMed 23228021.

NM_006348.5(COG5):c.1600C>T (p.Gln534Ter)

Genes: COG5 (component of oligomeric golgi complex 5; minus strand), LOC129389837 (MPRA-validated peak6677 silencer; plus strand). Cytogenetic location: 7q22.3.
Variant type: single nucleotide variant.
Coding change: c.1600C>T on transcript NM_006348.5 (MANE Select); coding-DNA position 1600, C replaced by T.
Protein change: p.Gln534Ter; replaces glutamine 534 with a stop codon.
Molecular consequence: nonsense. On other transcripts: intron variant (1).
Genome position (GRCh38, 1-based): chr7:107,258,359, G>A on the plus strand (C>T on the coding strand, the complement: COG5 is on the minus strand). VCF-style: chr7-107258359-G-A. GRCh37 (hg19) VCF-style: chr7-106898804-G-A.
Other names: c.1600C>T, p.Gln534Ter (NM_001161520.2, NM_001379513.1, NM_001379514.1 and 1 more transcripts); c.1438C>T, p.Gln480Ter (NM_001379511.1); c.1030C>T, p.Gln344Ter (NM_001379515.1); c.886C>T, p.Gln296Ter (NM_001379516.1); c.1576-9860C>T (NM_001379512.1); short protein forms Q344*, Q534*, Q296*, Q480*.
Identifiers: ClinVar variation 3647803 (VCV003647803.2).